The following is an entry in ClinVar:

ClinVar aggregate classification (germline): Uncertain significance. Review status: criteria provided, multiple submitters, no conflicts (2 of 4 stars). 3 submissions from 3 submitters: Uncertain significance (3). Last evaluated 2023-08-16.

Conditions:
Familial thoracic aortic aneurysm and aortic dissection (TAAD). Also called: Thoracic aortic aneurysms and dissections. Identifiers: Orphanet 91387, MedGen C4707243, MONDO:0019625.
Loeys-Dietz syndrome 4 (LDS4). Also called: ANEURYSM, AORTIC AND CEREBRAL, WITH ARTERIAL TORTUOSITY AND SKELETAL MANIFESTATIONS; TGFB2-Related Loeys-Dietz Syndrome. Identifiers: MedGen C3553762, MONDO:0013897, OMIM 614816.

Allele frequency attached by ClinVar (database versions not stated): gnomAD 0.00001; gnomAD exomes 0.00001; TOPMed 0.00001.

Submissions (3):

Labcorp Genetics (formerly Invitae), Labcorp
Classification: Uncertain significance for Loeys-Dietz syndrome 4. Last evaluated: 2023-08-16. Review status: criteria provided, single submitter. Criteria: Invitae Variant Classification Sherloc (09022015). Collection method: clinical testing. Allele origin: germline.
Comment: Advanced modeling of protein sequence and biophysical properties (such as structural, functional, and spatial information, amino acid conservation, physicochemical variation, residue mobility, and thermodynamic stability) performed at Invitae indicates that this missense variant is not expected to disrupt TGFB2 protein function. ClinVar contains an entry for this variant (Variation ID: 626568). This variant has not been reported in the literature in individuals affected with TGFB2-related conditions. This variant is not present in population databases (gnomAD no frequency). This sequence change replaces tyrosine, which is neutral and polar, with aspartic acid, which is acidic and polar, at codon 259 of the TGFB2 protein (p.Tyr259Asp). In summary, the available evidence is currently insufficient to determine the role of this variant in disease. Therefore, it has been classified as a Variant of Uncertain Significance.

Ambry Genetics
Classification: Uncertain significance for Familial thoracic aortic aneurysm and aortic dissection. Last evaluated: 2022-12-04. Review status: criteria provided, single submitter. Criteria: Ambry Variant Classification Scheme 2023. Collection method: clinical testing. Allele origin: germline.
Comment: The p.Y259D variant (also known as c.775T>G), located in coding exon 5 of the TGFB2 gene, results from a T to G substitution at nucleotide position 775. The tyrosine at codon 259 is replaced by aspartic acid, an amino acid with highly dissimilar properties. This amino acid position is conserved. In addition, the in silico prediction for this alteration is inconclusive. Since supporting evidence is limited at this time, the clinical significance of this alteration remains unclear.

CHEO Genetics Diagnostic Laboratory, Children's Hospital of Eastern Ontario
Classification: Uncertain significance for Familial thoracic aortic aneurysm and aortic dissection. Last evaluated: 2018-08-22. Review status: criteria provided, single submitter. Criteria: ACMG Guidelines, 2015. Collection method: clinical testing. Allele origin: germline.

NM_003238.6(TGFB2):c.775T>G (p.Tyr259Asp)

Gene: TGFB2 (transforming growth factor beta 2; plus strand). Cytogenetic location: 1q41.
Variant type: single nucleotide variant.
Coding change: c.775T>G on transcript NM_003238.6 (MANE Select); coding-DNA position 775, T replaced by G.
Protein change: p.Tyr259Asp; replaces tyrosine 259 with aspartic acid.
Molecular consequence: missense variant.
Genome position (GRCh38, 1-based): chr1:218,435,990, T>G. VCF-style: chr1-218435990-T-G. GRCh37 (hg19) VCF-style: chr1-218609332-T-G.
Other names: c.775T>G (NM_003238.3); c.859T>G, p.Tyr287Asp (NM_001135599.4); short protein forms Y259D, Y287D.
Identifiers: ClinVar variation 626568 (VCV000626568.8), dbSNP rs1212341043, ClinGen allele CA344727030.